The following is an entry in ClinVar:

NM_017763.6(RNF43):c.1177G>A (p.Ala393Thr)

Gene: RNF43 (ring finger protein 43; minus strand). Cytogenetic location: 17q22.
Variant type: single nucleotide variant.
Coding change: c.1177G>A on transcript NM_017763.6 (MANE Select); coding-DNA position 1177, G replaced by A.
Protein change: p.Ala393Thr; replaces alanine 393 with threonine.
Molecular consequence: missense variant.
Genome position (GRCh38, 1-based): chr17:58,358,599, C>T on the plus strand (G>A on the coding strand, the complement: RNF43 is on the minus strand). VCF-style: chr17-58358599-C-T. GRCh37 (hg19) VCF-style: chr17-56435960-C-T.
Other names: c.1177G>A, p.Ala393Thr (NM_001305544.3, NM_001438820.1, NM_001438821.1 and 1 more transcripts); c.796G>A, p.Ala266Thr (NM_001305545.2, NM_001437987.1); short protein forms A266T, A393T.
Identifiers: ClinVar variation 4863398 (VCV004863398.1).
Genomic context (GRCh38, chr17:58,358,599, plus strand): 5'-CATAGGGGTGCTGGGCTCCTGCCAGGCGCTGCTGCTCTCCTGGAGCCCGGGGATGTGCAG[C>T]TCTGGGGAAGCGGTGATGCCGAGGGCCCATGCCTGGCTCCTGGGATGGCAGGAAGGGACC-3'
Protein context (NP_060233.3, residues 383-403): MGPRHHRFPR[Ala393Thr]AHPRAPGEQQ

ClinVar aggregate classification (germline): Uncertain significance (1 of 4 stars; one submission).

Submission:

Ambry Genetics
Classification: Uncertain significance. Last evaluated: 2026-04-13. Review status: criteria provided, single submitter. Criteria: Ambry Variant Classification Scheme 2023. Collection method: clinical testing. Allele origin: germline.
Comment: The p.A393T variant (also known as c.1177G>A), located in coding exon 8 of the RNF43 gene, results from a G to A substitution at nucleotide position 1177. The alanine at codon 393 is replaced by threonine, an amino acid with similar properties. This amino acid position is conserved. In addition, this alteration is predicted to be tolerated by in silico analysis. Based on the available evidence, the clinical significance of this variant remains unclear.